The following is an entry in ClinVar:

ClinVar aggregate classification (germline): Uncertain significance (1 of 4 stars; one submission).

Submission:

GeneDx
Classification: Uncertain significance. Last evaluated: 2023-10-24. Review status: criteria provided, single submitter. Criteria: GeneDx Variant Classification Process June 2021. Collection method: clinical testing. Allele origin: germline. Affected: yes.
Comment: Not observed at significant frequency in large population cohorts (gnomAD); In silico analysis supports that this missense variant does not alter protein structure/function; Has not been previously published as pathogenic or benign to our knowledge

NM_001205293.3(CACNA1E):c.1253G>A (p.Ser418Asn)

Gene: CACNA1E (calcium voltage-gated channel subunit alpha1 E; plus strand). Cytogenetic location: 1q25.3.
Variant type: single nucleotide variant.
Coding change: c.1253G>A on transcript NM_001205293.3 (MANE Select); coding-DNA position 1253, G replaced by A.
Protein change: p.Ser418Asn; replaces serine 418 with asparagine.
Molecular consequence: missense variant.
Genome position (GRCh38, 1-based): chr1:181,716,067, G>A. VCF-style: chr1-181716067-G-A. GRCh37 (hg19) VCF-style: chr1-181685203-G-A.
Other names: c.1253G>A, p.Ser418Asn (NM_000721.4, NM_001205294.2); short protein forms S418N.
Identifiers: ClinVar variation 3366153 (VCV003366153.1).